The following is an entry in ClinVar:

NM_000455.5(STK11):c.783C>G (p.Tyr261Ter)

Gene: STK11 (serine/threonine kinase 11; plus strand). Cytogenetic location: 19p13.3.
Variant type: single nucleotide variant.
Coding change: c.783C>G on transcript NM_000455.5 (MANE Select); coding-DNA position 783, C replaced by G.
Protein change: p.Tyr261Ter; replaces tyrosine 261 with a stop codon.
Molecular consequence: nonsense. On other transcripts: non-coding transcript variant (1).
Genome position (GRCh38, 1-based): chr19:1,221,261, C>G. VCF-style: chr19-1221261-C-G. GRCh37 (hg19) VCF-style: chr19-1221260-C-G.
Other names: c.783C>G, p.Tyr261Ter (NM_001407255.1); short protein forms Y261*.
Identifiers: ClinVar variation 3600334 (VCV003600334.1).
Genomic context (GRCh38, chr19:1,221,261, plus strand): 5'-CTCGAAATGAAGCTACAACATCACCACGGGTCTGTACCCCTTCGAAGGGGACAACATCTA[C>G]AAGTTGTTTGAGAACATCGGGAAGGGGAGCTACGCCATCCCGGGCGACTGTGGCCCCCCG-3'

ClinVar aggregate classification (germline): Pathogenic (1 of 4 stars; one submission).

Conditions:
Peutz-Jeghers syndrome (PJS). Also called: Peutz-Jeghers polyposis; Periorificial lentiginosis syndrome; POLYPOSIS, HAMARTOMATOUS INTESTINAL; POLYPS-AND-SPOTS SYNDROME. Identifiers: Orphanet 2869, MedGen C0031269, MeSH D010580, MONDO:0008280, OMIM 175200.

Submission:

Department of Clinical Genetics, Copenhagen University Hospital, Rigshospitalet
Classification: Pathogenic for Peutz-Jeghers syndrome. Last evaluated: 2025-01-10. Review status: criteria provided, single submitter. Criteria: ACMG Guidelines, 2015. Collection method: clinical testing. Allele origin: germline. Affected: yes.
Comment: The following ACMG criteria was used: PVS1; PM2_SUP; PS4_SUP

Literature cited by the submitters: PubMed 37017260.